The following is an entry in ClinVar:

NM_000553.6(WRN):c.4041dup (p.Ile1348fs)

Gene: WRN (WRN RecQ like helicase; plus strand). Cytogenetic location: 8p12.
Variant type: Duplication.
Coding change: c.4041dup on transcript NM_000553.6 (MANE Select); coding-DNA position 4041, one base duplicated (T; older notation c.4041dupT).
Protein change: p.Ile1348fs; shifts the reading frame from isoleucine 1348.
Molecular consequence: frameshift variant.
Genome position (GRCh38, 1-based): chr8:31,167,080, T duplicated; the last of 2 consecutive T bases (chr8:31,167,079-31,167,080); duplicating either gives the same sequence. VCF-style (leftmost placement, unchanged base first): chr8-31167078-C-CT. GRCh37 (hg19) VCF-style: chr8-31024594-C-CT.
Other names: short protein forms I1348fs.
Identifiers: ClinVar variation 1457314 (VCV001457314.6), dbSNP rs2130514507, ClinGen allele CA2573142754.

ClinVar aggregate classification (germline): Pathogenic (1 of 4 stars; one submission).

Conditions:
Werner syndrome (WRN). Identifiers: Orphanet 902, MedGen C0043119, MONDO:0010196, OMIM 277700.

Submission:

Labcorp Genetics (formerly Invitae), Labcorp
Classification: Pathogenic for Werner syndrome. Last evaluated: 2023-09-15. Review status: criteria provided, single submitter. Criteria: Invitae Variant Classification Sherloc (09022015). Collection method: clinical testing. Allele origin: germline.
Comment: This sequence change creates a premature translational stop signal (p.Ile1348Tyrfs*6) in the WRN gene. It is expected to result in an absent or disrupted protein product. Loss-of-function variants in WRN are known to be pathogenic (PMID: 16673358). This variant has not been reported in the literature in individuals affected with WRN-related conditions. For these reasons, this variant has been classified as Pathogenic. ClinVar contains an entry for this variant (Variation ID: 1457314). This variant is not present in population databases (gnomAD no frequency).

Literature cited by the submitters: PubMed 16673358.